The following is an entry in ClinVar:

ClinVar aggregate classification (germline): Uncertain significance (1 of 4 stars; one submission).

Submission:

GeneDx
Classification: Uncertain significance. Last evaluated: 2024-03-29. Review status: criteria provided, single submitter. Criteria: GeneDx Variant Classification Process June 2021. Collection method: clinical testing. Allele origin: germline. Affected: yes.
Comment: Not observed at significant frequency in large population cohorts (gnomAD); In silico analysis supports that this missense variant has a deleterious effect on protein structure/function; Has not been previously published as pathogenic or benign to our knowledge

NM_001008537.3(NEXMIF):c.623C>G (p.Pro208Arg)

Gene: NEXMIF (neurite extension and migration factor; minus strand). Cytogenetic location: Xq13.3.
Variant type: single nucleotide variant.
Coding change: c.623C>G on transcript NM_001008537.3 (MANE Select); coding-DNA position 623, C replaced by G.
Protein change: p.Pro208Arg; replaces proline 208 with arginine.
Molecular consequence: missense variant.
Genome position (GRCh38, 1-based): chrX:74,743,934, G>C on the plus strand (C>G on the coding strand, the complement: NEXMIF is on the minus strand). VCF-style: chrX-74743934-G-C. GRCh37 (hg19) VCF-style: chrX-73963769-G-C.
Other names: short protein forms P208R.
Identifiers: ClinVar variation 3371379 (VCV003371379.1).